The following is an entry in ClinVar:

NM_006767.4(LZTR1):c.883C>T (p.His295Tyr)

Gene: LZTR1 (leucine zipper like post translational regulator 1; plus strand). Cytogenetic location: 22q11.21.
Variant type: single nucleotide variant.
Coding change: c.883C>T on transcript NM_006767.4 (MANE Select); coding-DNA position 883, C replaced by T.
Protein change: p.His295Tyr; replaces histidine 295 with tyrosine.
Molecular consequence: missense variant.
Genome position (GRCh38, 1-based): chr22:20,991,719, C>T. VCF-style: chr22-20991719-C-T. GRCh37 (hg19) VCF-style: chr22-21346008-C-T.
Other names: short protein forms H295Y.
Identifiers: ClinVar variation 1502825 (VCV001502825.6), dbSNP rs1427336886, ClinGen allele CA410781342.
Genomic context (GRCh38, chr22:20,991,719, plus strand): 5'-CGGGGCTCCCCACCACCCCCGCAGCGGCGCTACGGGCATACCATGGTGGCCTTTGACCGC[C>T]ACCTCTATGTGTTTGGGGGTGCGGCCGACAACACGCTGCCCAACGAGCTGCACTGCTATG-3'
Protein context (NP_006758.2, residues 285-305): YGHTMVAFDR[His295Tyr]LYVFGGAADN

ClinVar aggregate classification (germline): Uncertain significance (1 of 4 stars; one submission).

Submission:

Labcorp Genetics (formerly Invitae), Labcorp
Classification: Uncertain significance. Last evaluated: 2022-06-04. Review status: criteria provided, single submitter. Criteria: Invitae Variant Classification Sherloc (09022015). Collection method: clinical testing. Allele origin: germline.
Comment: This sequence change replaces histidine, which is basic and polar, with tyrosine, which is neutral and polar, at codon 295 of the LZTR1 protein (p.His295Tyr). This variant is not present in population databases (gnomAD no frequency). This variant has not been reported in the literature in individuals affected with LZTR1-related conditions. ClinVar contains an entry for this variant (Variation ID: 1502825). Algorithms developed to predict the effect of missense changes on protein structure and function (SIFT, PolyPhen-2, Align-GVGD) all suggest that this variant is likely to be tolerated. In summary, the available evidence is currently insufficient to determine the role of this variant in disease. Therefore, it has been classified as a Variant of Uncertain Significance.